The following is an entry in ClinVar:

ClinVar aggregate classification (germline): Uncertain significance (1 of 4 stars; one submission).

Allele frequency attached by ClinVar (database versions not stated): gnomAD 0.00001; TOPMed 0.00001.
gnomAD v4.1: 2 of 1,559,538 alleles (0.00013%); highest among the groups gnomAD compares: African/African-American, 0.0014%; no homozygotes.

Submission:

Labcorp Genetics (formerly Invitae), Labcorp
Classification: Uncertain significance. Last evaluated: 2023-03-08. Review status: criteria provided, single submitter. Criteria: Invitae Variant Classification Sherloc (09022015). Collection method: clinical testing. Allele origin: germline.
Comment: This sequence change replaces alanine, which is neutral and non-polar, with valine, which is neutral and non-polar, at codon 504 of the CACNA1D protein (p.Ala504Val). This variant is not present in population databases (gnomAD no frequency). This variant has not been reported in the literature in individuals affected with CACNA1D-related conditions. An algorithm developed to predict the effect of missense changes on protein structure and function (PolyPhen-2) suggests that this variant is likely to be tolerated. Algorithms developed to predict the effect of sequence changes on RNA splicing suggest that this variant may create or strengthen a splice site. In summary, the available evidence is currently insufficient to determine the role of this variant in disease. Therefore, it has been classified as a Variant of Uncertain Significance.

NM_000720.4(CACNA1D):c.1511C>T (p.Ala504Val)

Gene: CACNA1D (calcium voltage-gated channel subunit alpha1 D; plus strand). Cytogenetic location: 3p21.1.
Variant type: single nucleotide variant.
Coding change: c.1511C>T on transcript NM_000720.4 (MANE Plus Clinical); coding-DNA position 1511, C replaced by T.
Protein change: p.Ala504Val; replaces alanine 504 with valine.
Molecular consequence: missense variant. On other transcripts: intron variant (2).
Genome position (GRCh38, 1-based): chr3:53,718,714, C>T. VCF-style: chr3-53718714-C-T. GRCh37 (hg19) VCF-style: chr3-53752741-C-T.
Other names: c.1478+326C>T (NM_001128840.3, NM_001128839.3); short protein forms A504V.
Identifiers: ClinVar variation 2809123 (VCV002809123.3), dbSNP rs925150951, ClinGen allele CA74844990.